The following is an entry in ClinVar:

ClinVar aggregate classification (germline): Pathogenic. Review status: reviewed by expert panel (3 of 4 stars). 6 submissions from 6 submitters: Pathogenic (1). 5 of the submissions do not count toward it. Last evaluated 2016-09-08.

Conditions:
Hereditary cancer-predisposing syndrome. Also called: Tumor predisposition; Neoplastic Syndromes, Hereditary; Hereditary Cancer Syndrome; Hereditary neoplastic syndrome. Identifiers: Orphanet 140162, MedGen C0027672, MeSH D009386, MONDO:0015356.
Hereditary breast ovarian cancer syndrome. Also called: Hereditary breast and ovarian cancer syndrome (HBOC); Hereditary breast and ovarian cancer syndrome; Hereditary breast and ovarian cancer; Hereditary breast and/or ovarian cancer syndrome; Breast and ovarian cancer; BRCA1- and BRCA2-Associated Hereditary Breast and Ovarian Cancer. Identifiers: Orphanet 145, MedGen C0677776, MeSH D061325, MONDO:0003582. Disease mechanism: loss of function.
Breast-ovarian cancer, familial, susceptibility to, 1 (BROVCA1). Also called: OVARIAN CANCER, SUSCEPTIBILITY TO; BRCA1 Hereditary Breast and Ovarian Cancer. Identifiers: Orphanet 145, MedGen C2676676, MONDO:0011450, OMIM 604370. Disease mechanism: loss of function.

Submissions (6):

Evidence-based Network for the Interpretation of Germline Mutant Alleles (ENIGMA)
Classification: Pathogenic for Breast-ovarian cancer, familial, susceptibility to, 1. Last evaluated: 2016-09-08. Review status: reviewed by expert panel. Criteria: ENIGMA BRCA1/2 Classification Criteria (2015). Collection method: curation. Allele origin: germline.
Comment: Variant allele predicted to encode a truncated non-functional protein.

Color Diagnostics, LLC DBA Color Health
Classification: Pathogenic for Hereditary cancer-predisposing syndrome. Last evaluated: 2020-01-15. Review status: criteria provided, single submitter. Criteria: ACMG Guidelines, 2015. Collection method: clinical testing. Allele origin: germline. Not counted in ClinVar's aggregate classification.
Comment: This variant deletes 1 nucleotide in exon 10 of the BRCA1 gene, creating a frameshift and premature translation stop signal. This variant is expected to result in an absent or non-functional protein product. This variant has not been identified in the general population by the Genome Aggregation Database (gnomAD). Loss of BRCA1 function is a known mechanism of disease. Based on the available evidence, this variant is classified as Pathogenic.

Mendelics
Classification: Pathogenic for Hereditary breast and ovarian cancer syndrome. Last evaluated: 2018-07-02. Review status: criteria provided, single submitter. Criteria: Mendelics Assertion Criteria 2017. Collection method: clinical testing. Allele origin: unknown. Not counted in ClinVar's aggregate classification.

Consortium of Investigators of Modifiers of BRCA1/2 (CIMBA), c/o University of Cambridge
Classification: Pathogenic for Breast-ovarian cancer, familial, susceptibility to, 1. Last evaluated: 2015-10-02. Review status: criteria provided, single submitter. Criteria: CIMBA Mutation Classification guidelines May 2016. Collection method: clinical testing. Allele origin: germline. Not counted in ClinVar's aggregate classification.

Research Molecular Genetics Laboratory, Women's College Hospital, University of Toronto
Classification: Pathogenic for Hereditary breast ovarian cancer syndrome. Last evaluated: 2014-01-31. Review status: no assertion criteria provided. Collection method: research. Allele origin: germline. Affected: yes. Study: The Canadian Open Genetics Repository (COGR). Not counted in ClinVar's aggregate classification.

Breast Cancer Information Core (BIC) (BRCA1)
Classification: Pathogenic for Breast-ovarian cancer, familial 1. Review status: no assertion criteria provided. Collection method: clinical testing. Allele origin: germline. Affected: yes. Observed: 1 variant allele. Not counted in ClinVar's aggregate classification.

NM_007294.4(BRCA1):c.1492del (p.Leu498fs)

Gene: BRCA1 (BRCA1 DNA repair associated; minus strand). Cytogenetic location: 17q21.31.
Variant type: Deletion.
Coding change: c.1492del on transcript NM_007294.4 (MANE Select); coding-DNA position 1492, one base deleted (C; older notation c.1492delC).
Protein change: p.Leu498fs; shifts the reading frame from leucine 498.
Molecular consequence: frameshift variant. On other transcripts: intron variant (137).
Genome position (GRCh38, 1-based): chr17:43,094,039, G deleted on the plus strand (C on the coding strand, the reverse complement: BRCA1 is on the minus strand); the first of 4 consecutive G bases (chr17:43,094,039-43,094,042); deleting any one gives the same sequence. VCF-style (leftmost placement, unchanged base first): chr17-43094038-AG-A. GRCh37 (hg19) VCF-style: chr17-41246055-AG-A.
Other names: 1611delC; c.1492delC (NM_007294.3); c.1369del, p.Leu457fs (NM_001407648.1, NM_001407664.1, NM_001407665.1 and 19 more transcripts); c.1366del, p.Leu456fs (NM_001407649.1, NM_001407670.1, NM_001407671.1 and 11 more transcripts); c.1492del, p.Leu498fs (NM_001407652.1, NM_001407684.1, NM_001407854.1 and 30 more transcripts); c.1414del, p.Leu472fs (NM_001407653.1, NM_001407654.1, NM_001407655.1 and 4 more transcripts); c.1411del, p.Leu471fs (NM_001407659.1, NM_001407660.1, NM_001407661.1 and 1 more transcripts); c.1351del, p.Leu451fs (NM_001407692.1, NM_001407694.1, NM_001407695.1 and 29 more transcripts); and 42 more; short protein forms L498fs, L451fs, L370fs, L457fs, L471fs, L497fs, L330fs, L371fs.
Identifiers: ClinVar variation 54268 (VCV000054268.9), dbSNP rs80357527, ClinGen allele CA001001.